The following is an entry in ClinVar:

NM_001042750.2(STAG2):c.386-12T>G

Gene: STAG2 (STAG2 cohesin complex component; plus strand). Cytogenetic location: Xq25.
Variant type: single nucleotide variant.
Coding change: c.386-12T>G on transcript NM_001042750.2 (MANE Select); 12 bases into the intron before coding-DNA position 386, T replaced by G.
Molecular consequence: intron variant.
Genome position (GRCh38, 1-based): chrX:124,042,557, T>G. VCF-style: chrX-124042557-T-G. GRCh37 (hg19) VCF-style: chrX-123176407-T-G.
Other names: c.386-12T>G (NM_001042749.2, NM_001375366.1, NM_001375373.1 and 13 more transcripts).
Identifiers: ClinVar variation 1317480 (VCV001317480.2), dbSNP rs1293835583, ClinGen allele CA644266211.

ClinVar aggregate classification (germline): Uncertain significance (1 of 4 stars; one submission).

Allele frequency attached by ClinVar (database versions not stated): TOPMed below 0.00001; gnomAD exomes 0.00001.
gnomAD v4.1: 13 of 1,181,314 alleles (0.0011%); highest among the groups gnomAD compares: Non-Finnish European, 0.0014%; no homozygotes.

Submission:

GeneDx
Classification: Uncertain significance. Last evaluated: 2021-04-07. Review status: criteria provided, single submitter. Criteria: GeneDx Variant Classification Process June 2021. Collection method: clinical testing. Allele origin: germline. Affected: yes.
Comment: Not observed at a significant frequency in large population cohorts (Lek et al., 2016); In silico analysis supports a deleterious effect on splicing; Has not been previously published as pathogenic or benign to our knowledge